The following is an entry in ClinVar:

NM_001384732.1(CPLANE1):c.586T>C (p.Cys196Arg)

Gene: CPLANE1 (ciliogenesis and planar polarity effector complex subunit 1; minus strand). Cytogenetic location: 5p13.2.
Variant type: single nucleotide variant.
Coding change: c.586T>C on transcript NM_001384732.1 (MANE Select); coding-DNA position 586, T replaced by C.
Protein change: p.Cys196Arg; replaces cysteine 196 with arginine.
Molecular consequence: missense variant.
Genome position (GRCh38, 1-based): chr5:37,243,104, A>G on the plus strand (T>C on the coding strand, the complement: CPLANE1 is on the minus strand). VCF-style: chr5-37243104-A-G. GRCh37 (hg19) VCF-style: chr5-37243206-A-G.
Other names: c.586T>C, p.Cys196Arg (NM_023073.4); short protein forms C196R.
Identifiers: ClinVar variation 1685667 (VCV001685667.6), dbSNP rs2150766539, ClinGen allele CA359519644.
Genomic context (GRCh38, chr5:37,243,104, plus strand): 5'-GAATTGCTAGAAATGTTAACTTCAGGCATTCCCCAGAATAAAAAGTAAATGAACACAGGC[A>G]GCAGTCTCCAAATAACTGTAGATAAATTTAATATACTTTAGTATAAAATTAATCTGAAAA-3'
Protein context (NP_001371661.1, residues 186-206): FIKNELFGDC[Cys196Arg]LCSFTFYSGE

ClinVar aggregate classification (germline): Conflicting classifications of pathogenicity. Review status: criteria provided, conflicting classifications (1 of 4 stars). 2 submissions from 2 submitters: Pathogenic (1); Uncertain significance (1). Last evaluated 2022-10-13.

Conditions:
Orofaciodigital syndrome type 6 (OFD6). Also called: OROFACIODIGITAL SYNDROME VI; OFDS VI; POLYDACTYLY, CLEFT LIP/PALATE OR LINGUAL LUMP, AND PSYCHOMOTOR RETARDATION; VARADI SYNDROME; VARADI-PAPP SYNDROME; Oral-facial-digital syndrome type 6. Identifiers: Orphanet 2754, MedGen C2745997, MONDO:0010176, OMIM 277170.

Submissions (2):

Labcorp Genetics (formerly Invitae), Labcorp
Classification: Uncertain significance. Last evaluated: 2022-10-13. Review status: criteria provided, single submitter. Criteria: Invitae Variant Classification Sherloc (09022015). Collection method: clinical testing. Allele origin: germline.
Comment: In summary, the available evidence is currently insufficient to determine the role of this variant in disease. Therefore, it has been classified as a Variant of Uncertain Significance. This sequence change replaces cysteine, which is neutral and slightly polar, with arginine, which is basic and polar, at codon 196 of the CPLANE1 protein (p.Cys196Arg). This variant is not present in population databases (gnomAD no frequency). This variant has not been reported in the literature in individuals affected with CPLANE1-related conditions. ClinVar contains an entry for this variant (Variation ID: 1685667). Advanced modeling of protein sequence and biophysical properties (such as structural, functional, and spatial information, amino acid conservation, physicochemical variation, residue mobility, and thermodynamic stability) has been performed at Invitae for this missense variant, however the output from this modeling did not meet the statistical confidence thresholds required to predict the impact of this variant on CPLANE1 protein function.

Mendelics
Classification: Pathogenic for Orofaciodigital syndrome type 6. Last evaluated: 2022-05-04. Review status: criteria provided, single submitter. Criteria: Mendelics Assertion Criteria 2019. Collection method: clinical testing. Allele origin: germline.